The following is an entry in ClinVar:

ClinVar aggregate classification (germline): Uncertain significance (1 of 4 stars; one submission).

Conditions:
Duchenne muscular dystrophy (DMD). Also called: MUSCULAR DYSTROPHY, PSEUDOHYPERTROPHIC PROGRESSIVE, DUCHENNE TYPE; Duchenne Muscular Dystrophy (DMD). Identifiers: Orphanet 98896, MedGen C0013264, MONDO:0010679, OMIM 310200.

Allele frequency attached by ClinVar (database versions not stated): ExAC 0.00001.

Submission:

Labcorp Genetics (formerly Invitae), Labcorp
Classification: Uncertain significance for Duchenne muscular dystrophy. Last evaluated: 2023-07-13. Review status: criteria provided, single submitter. Criteria: Invitae Variant Classification Sherloc (09022015). Collection method: clinical testing. Allele origin: germline.
Comment: This sequence change replaces histidine, which is basic and polar, with arginine, which is basic and polar, at codon 1420 of the DMD protein (p.His1420Arg). In summary, the available evidence is currently insufficient to determine the role of this variant in disease. Therefore, it has been classified as a Variant of Uncertain Significance. Advanced modeling of protein sequence and biophysical properties (such as structural, functional, and spatial information, amino acid conservation, physicochemical variation, residue mobility, and thermodynamic stability) performed at Invitae indicates that this missense variant is not expected to disrupt DMD protein function. This variant has not been reported in the literature in individuals affected with DMD-related conditions. This variant is present in population databases (rs761183688, gnomAD 0.005%).

NM_004006.3(DMD):c.4259A>G (p.His1420Arg)

Gene: DMD (dystrophin; minus strand). Cytogenetic location: Xp21.1.
Variant type: single nucleotide variant.
Coding change: c.4259A>G on transcript NM_004006.3 (MANE Select); coding-DNA position 4259, A replaced by G.
Protein change: p.His1420Arg; replaces histidine 1420 with arginine.
Molecular consequence: missense variant.
Genome position (GRCh38, 1-based): chrX:32,390,156, T>C on the plus strand (A>G on the coding strand, the complement: DMD is on the minus strand). VCF-style: chrX-32390156-T-C. GRCh37 (hg19) VCF-style: chrX-32408273-T-C.
Other names: c.4235A>G, p.His1412Arg (NM_000109.4); c.4247A>G, p.His1416Arg (NM_004009.3); c.3890A>G, p.His1297Arg (NM_004010.3); c.236A>G, p.His79Arg (NM_004011.4); c.227A>G, p.His76Arg (NM_004012.4); short protein forms H1297R, H1416R, H1412R, H1420R, H76R, H79R.
Identifiers: ClinVar variation 2743053 (VCV002743053.3), dbSNP rs761183688, ClinGen allele CA10378998.